The following is an entry in ClinVar:

NM_001375567.1(FOCAD):c.4729-5_4729-4insTTTTTTTTTTTTTTTTTTTTTTTTTTTT

Gene: FOCAD (focadhesin; plus strand). Cytogenetic location: 9p21.3.
Variant type: Insertion.
Coding change: c.4729-5_4729-4insTTTTTTTTTTTTTTTTTTTTTTTTTTTT on transcript NM_001375567.1 (MANE Select); 5 bases into the intron before coding-DNA position 4729 through 4 bases into the intron before coding-DNA position 4729, TTTTTTTTTTTTTTTTTTTTTTTTTTTT inserted.
Molecular consequence: intron variant.
Genome position: GRCh38 VCF-style: chr9-20986266-A-ATTTTTTTTTTTTTTTTTTTTTTTTTTTT. GRCh37 (hg19) VCF-style: chr9-20986265-A-ATTTTTTTTTTTTTTTTTTTTTTTTTTTT.
Other names: c.4729-5_4729-4insTTTTTTTTTTTTTTTTTTTTTTTTTTTT (NM_017794.5); c.4624-5_4624-4insTTTTTTTTTTTTTTTTTTTTTTTTTTTT (NM_001375568.1, NM_001375570.1).
Identifiers: ClinVar variation 2659117 (VCV002659117.24), dbSNP rs545976303, ClinGen allele CA1122104610.
Genomic context (GRCh38, chr9:20,986,266, plus strand): 5'-TGTTTTGCCCTTGCCCTGAAATTCTGTAGCTACTTCAGTTAATTTAATAGTAACTAAACA[A>ATTTTTTTTTTTTTTTTTTTTTTTTTTTT]TTTTTTTTTTTTTTTTTGCAGAGCAACATAGAAAAAGCTGCCTTTGTCAAACTGTACTTA-3'

ClinVar aggregate classification (germline): Likely benign (1 of 4 stars; one submission).

Submission:

CeGaT Center for Human Genetics Tuebingen
Classification: Likely benign. Last evaluated: 2023-04-01. Review status: criteria provided, single submitter. Criteria: CeGaT Center For Human Genetics Tuebingen Variant Classification Criteria Version 2. Collection method: clinical testing. Allele origin: germline. Affected: yes. Observed: 2 variant alleles.
Comment: FOCAD: BP4, BS2